The following is an entry in ClinVar:

NM_001376.5(DYNC1H1):c.13675G>A (p.Gly4559Arg)

Gene: DYNC1H1 (dynein cytoplasmic 1 heavy chain 1; plus strand). Cytogenetic location: 14q32.31.
Variant type: single nucleotide variant.
Coding change: c.13675G>A on transcript NM_001376.5 (MANE Select); coding-DNA position 13675, G replaced by A.
Protein change: p.Gly4559Arg; replaces glycine 4559 with arginine.
Molecular consequence: missense variant.
Genome position (GRCh38, 1-based): chr14:102,049,873, G>A. VCF-style: chr14-102049873-G-A. GRCh37 (hg19) VCF-style: chr14-102516210-G-A.
Other names: short protein forms G4559R.
Identifiers: ClinVar variation 312666 (VCV000312666.10), dbSNP rs761881469, ClinGen allele CA7354301.
Genomic context (GRCh38, chr14:102,049,873, plus strand): 5'-CTCTGCCTGGAAGTCAACGTCACCACCTCACAGGGCGCCACCCTTGACGCTTGCAGCTTC[G>A]GAGTCACGGGTGAGTGGAGTCTCACAGAAAATACTGGCTCTTTGCAGGTGACCTCGGTGG-3'
Protein context (NP_001367.2, residues 4549-4569): QGATLDACSF[Gly4559Arg]VTGLKLQGAT

ClinVar aggregate classification (germline): Benign/Likely benign. Review status: criteria provided, multiple submitters, no conflicts (2 of 4 stars). 3 submissions from 2 submitters: Benign (1); Likely benign (2). Last evaluated 2025-07-24.

Conditions:
Charcot-Marie-Tooth disease axonal type 2O. Also called: CHARCOT-MARIE-TOOTH NEUROPATHY, AXONAL, TYPE 2O; CHARCOT-MARIE-TOOTH DISEASE, AXONAL, AUTOSOMAL DOMINANT, TYPE 2O; Charcot-Marie-Tooth Neuropathy Type 2O; Charcot-Marie-Tooth disease, axonal, type 20. Identifiers: Orphanet 284232, MedGen C3280220, MONDO:0013644, OMIM 614228.
Autosomal dominant cerebellar ataxia. Also called: Spinocerebellar Ataxia, Dominant. Identifiers: Orphanet 99, MedGen C4087347, MONDO:0020380.

Allele frequency attached by ClinVar (database versions not stated): gnomAD exomes 0.00002; ExAC 0.00003; TOPMed 0.00003; gnomAD 0.00005 and 0.00006.
gnomAD v4.1: 32 of 1,612,796 alleles (0.002%); highest among the groups gnomAD compares: Admixed American, 0.023%; no homozygotes.

Submissions (3):

Labcorp Genetics (formerly Invitae), Labcorp
Classification: Benign for Charcot-Marie-Tooth disease axonal type 2O. Last evaluated: 2025-07-24. Review status: criteria provided, single submitter. Criteria: Invitae Variant Classification Sherloc (09022015). Collection method: clinical testing. Allele origin: germline.

Illumina Laboratory Services, Illumina
Classification: Likely benign for Charcot-Marie-Tooth disease axonal type 2O. Last evaluated: 2018-01-12. Review status: criteria provided, single submitter. Criteria: ICSL Variant Classification Criteria 13 December 2019. Collection method: clinical testing. Allele origin: germline.
Comment: This variant was observed in the ICSL laboratory as part of a predisposition screen in an ostensibly healthy population. It had not been previously curated by ICSL or reported in the Human Gene Mutation Database (HGMD: prior to June 1st, 2018), and was therefore a candidate for classification through an automated scoring system. Utilizing variant allele frequency, disease prevalence and penetrance estimates, and inheritance mode, an automated score was calculated to assess if this variant is too frequent to cause the disease. Based on the score and internal cut-off values, a variant classified as likely benign is not then subjected to further curation. The score for this variant resulted in a classification of likely benign for this disease.

Illumina Laboratory Services, Illumina
Classification: Likely benign for Spinocerebellar Ataxia, Dominant. Last evaluated: 2018-01-12. Review status: criteria provided, single submitter. Criteria: ICSL Variant Classification Criteria 13 December 2019. Collection method: clinical testing. Allele origin: germline.
Comment: the same text as in the submission from Illumina Laboratory Services, Illumina above.